The following is an entry in ClinVar:

ClinVar aggregate classification (germline): Uncertain significance. Review status: criteria provided, multiple submitters, no conflicts (2 of 4 stars). 2 submissions from 2 submitters: Uncertain significance (2). Last evaluated 2025-05-14.

Conditions:
MKS1-related disorder. Also called: MKS1-related disorders; MKS1-related condition. Identifiers: MedGen CN239382.
Joubert syndrome. Also called: Familial aplasia of the vermis; JOUBERT-BOLTSHAUSER SYNDROME. Identifiers: Orphanet 475, MedGen C5979921, MONDO:0018772.
Meckel-Gruber syndrome. Also called: Dysencephalia splachnocystica; DYSENCEPHALIA SPLANCHNOCYSTICA; GRUBER SYNDROME. Identifiers: Orphanet 564, MedGen C0265215, MONDO:0018921.

Allele frequency attached by ClinVar (database versions not stated): gnomAD exomes below 0.00001.
gnomAD v4.1: 6 of 1,614,178 alleles (0.00037%); highest among the groups gnomAD compares: Non-Finnish European, 0.00051%; no homozygotes.

Submissions (2):

PreventionGenetics, part of Exact Sciences
Classification: Uncertain significance for MKS1-related condition. Last evaluated: 2025-05-14. Review status: criteria provided, single submitter. Criteria: ACMG Guidelines, 2015. Collection method: clinical testing. Allele origin: germline.
Comment: The MKS1 c.875A>G variant is predicted to result in the amino acid substitution p.Lys292Arg. To our knowledge, this variant has not been reported in the literature. This variant is reported in 0.00088% of alleles in individuals of European (Non-Finnish) descent in gnomAD. At this time, the clinical significance of this variant is uncertain due to the absence of conclusive functional and genetic evidence.

Labcorp Genetics (formerly Invitae), Labcorp
Classification: Uncertain significance for Joubert syndrome; Meckel-Gruber syndrome. Last evaluated: 2022-02-23. Review status: criteria provided, single submitter. Criteria: Invitae Variant Classification Sherloc (09022015). Collection method: clinical testing. Allele origin: germline.
Comment: Algorithms developed to predict the effect of sequence changes on RNA splicing suggest that this variant may create or strengthen a splice site. Advanced modeling of protein sequence and biophysical properties (such as structural, functional, and spatial information, amino acid conservation, physicochemical variation, residue mobility, and thermodynamic stability) performed at Invitae indicates that this missense variant is not expected to disrupt MKS1 protein function. This variant has not been reported in the literature in individuals affected with MKS1-related conditions. This variant is present in population databases (no rsID available, gnomAD 0.0009%). This sequence change replaces lysine, which is basic and polar, with arginine, which is basic and polar, at codon 292 of the MKS1 protein (p.Lys292Arg). In summary, the available evidence is currently insufficient to determine the role of this variant in disease. Therefore, it has been classified as a Variant of Uncertain Significance.

NM_017777.4(MKS1):c.875A>G (p.Lys292Arg)

Gene: MKS1 (MKS transition zone complex subunit 1; minus strand). Cytogenetic location: 17q22.
Variant type: single nucleotide variant.
Coding change: c.875A>G on transcript NM_017777.4 (MANE Select); coding-DNA position 875, A replaced by G.
Protein change: p.Lys292Arg; replaces lysine 292 with arginine.
Molecular consequence: missense variant.
Genome position (GRCh38, 1-based): chr17:58,212,418, T>C on the plus strand (A>G on the coding strand, the complement: MKS1 is on the minus strand). VCF-style: chr17-58212418-T-C. GRCh37 (hg19) VCF-style: chr17-56289779-T-C.
Other names: c.266A>G, p.Lys89Arg (NM_001321268.2); c.875A>G, p.Lys292Arg (NM_001321269.2, NM_001330397.2); c.875A>G (NM_017777.3); short protein forms K292R, K89R.
Identifiers: ClinVar variation 1470752 (VCV001470752.5), dbSNP rs1170460125, ClinGen allele CA400326284.